The following is an entry in ClinVar:

ClinVar aggregate classification (germline): Likely benign (1 of 4 stars; one submission).

Allele frequency attached by ClinVar (database versions not stated): ExAC 0.00039; ESP Exome Variant Server 0.00054; TOPMed 0.00056; gnomAD 0.00060; 1000 Genomes Project 0.00100; 1000 Genomes Project 30x 0.00109.
gnomAD v4.1: 1,166 of 1,613,850 alleles (0.072%); highest among the groups gnomAD compares: Non-Finnish European, 0.087%; 1 homozygote.

Submission:

CeGaT Center for Human Genetics Tuebingen
Classification: Likely benign. Last evaluated: 2022-04-01. Review status: criteria provided, single submitter. Criteria: CeGaT Center For Human Genetics Tuebingen Variant Classification Criteria Version 2. Collection method: clinical testing. Allele origin: germline. Affected: yes. Observed: 1 variant allele.
Comment: UBR4: BP4, BP7

NM_020765.3(UBR4):c.5493C>T (p.Ala1831=)

Gene: UBR4 (ubiquitin protein ligase E3 component n-recognin 4; minus strand). Cytogenetic location: 1p36.13.
Variant type: single nucleotide variant.
Coding change: c.5493C>T on transcript NM_020765.3 (MANE Select); coding-DNA position 5493, C replaced by T.
Protein change: p.Ala1831=; no amino-acid change (alanine 1831 retained).
Molecular consequence: synonymous variant.
Genome position (GRCh38, 1-based): chr1:19,160,195, G>A on the plus strand (C>T on the coding strand, the complement: UBR4 is on the minus strand). VCF-style: chr1-19160195-G-A. GRCh37 (hg19) VCF-style: chr1-19486689-G-A.
Identifiers: ClinVar variation 2638421 (VCV002638421.24), dbSNP rs139582695, ClinGen allele CA650540.